The following is an entry in ClinVar:

NM_016138.5(COQ7):c.23C>T (p.Ala8Val)

Genes: COQ7 (coenzyme Q7, hydroxylase; plus strand), COQ7-DT (COQ7 divergent transcript; minus strand), LOC130058587 (ATAC-STARR-seq lymphoblastoid silent region 7240; plus strand). Cytogenetic location: 16p12.3.
Variant type: single nucleotide variant.
Coding change: c.23C>T on transcript NM_016138.5 (MANE Select); coding-DNA position 23, C replaced by T.
Protein change: p.Ala8Val; replaces alanine 8 with valine.
Molecular consequence: missense variant. On other transcripts: non-coding transcript variant (5).
Genome position (GRCh38, 1-based): chr16:19,067,687, C>T. VCF-style: chr16-19067687-C-T. GRCh37 (hg19) VCF-style: chr16-19079009-C-T.
Other names: c.23C>T, p.Ala8Val (NM_001370490.1); c.23C>T (NM_016138.4); short protein forms A8V.
Identifiers: ClinVar variation 1943280 (VCV001943280.3), dbSNP rs981205438, ClinGen allele CA278713600.
Genomic context (GRCh38, chr16:19,067,687, plus strand): 5'-TCCGTTCAACGAAGTGGTTGCTTTTTTTAGTTCCGGCAATGAGTTGCGCCGGGGCGGCGG[C>T]GGCTCCCCGCCTTTGGCGGCTGCGCCCGGGGGCCCGGCGGTCCCTCTCAGGTAAAAGGAG-3'
Protein context (NP_057222.2, residues 1-18): MSCAGAA[Ala8Val]APRLWRLRPG

ClinVar aggregate classification (germline): Uncertain significance. Review status: criteria provided, multiple submitters, no conflicts (2 of 4 stars). 2 submissions from 2 submitters: Uncertain significance (2). Last evaluated 2025-04-01.

Allele frequency attached by ClinVar (database versions not stated): gnomAD 0.00001.

Submissions (2):

Ambry Genetics
Classification: Uncertain significance. Last evaluated: 2025-04-01. Review status: criteria provided, single submitter. Criteria: Ambry Variant Classification Scheme 2023. Collection method: clinical testing. Allele origin: germline.

Labcorp Genetics (formerly Invitae), Labcorp
Classification: Uncertain significance. Last evaluated: 2022-03-23. Review status: criteria provided, single submitter. Criteria: Invitae Variant Classification Sherloc (09022015). Collection method: clinical testing. Allele origin: germline.
Comment: This sequence change replaces alanine, which is neutral and non-polar, with valine, which is neutral and non-polar, at codon 8 of the COQ7 protein (p.Ala8Val). The frequency data for this variant in the population databases is considered unreliable, as metrics indicate poor data quality at this position in the gnomAD database. This variant has not been reported in the literature in individuals affected with COQ7-related conditions. Algorithms developed to predict the effect of missense changes on protein structure and function output the following: SIFT: "Tolerated"; PolyPhen-2: "Benign"; Align-GVGD: "Class C0". The valine amino acid residue is found in multiple mammalian species, which suggests that this missense change does not adversely affect protein function. In summary, the available evidence is currently insufficient to determine the role of this variant in disease. Therefore, it has been classified as a Variant of Uncertain Significance.